The following is an entry in ClinVar:

ClinVar aggregate classification (germline): Uncertain significance (1 of 4 stars; one submission).

Conditions:
Imerslund-Grasbeck syndrome. Also called: PERNICIOUS ANEMIA, JUVENILE, DUE TO SELECTIVE INTESTINAL MALABSORPTION OF VITAMIN B12, WITH PROTEINURIA; Megaloblastic anemia due to inborn errors of metabolism; Imerslund-Gräsbeck syndrome; ENTEROCYTE COBALAMIN MALABSORPTION; ENTEROCYTE INTRINSIC FACTOR RECEPTOR, DEFECT OF. Identifiers: Orphanet 35858, MedGen C4551825, MONDO:0009853.

Submission:

Labcorp Genetics (formerly Invitae), Labcorp
Classification: Uncertain significance for Imerslund-Grasbeck syndrome. Last evaluated: 2022-07-09. Review status: criteria provided, single submitter. Criteria: Invitae Variant Classification Sherloc (09022015). Collection method: clinical testing. Allele origin: germline.
Comment: This sequence change replaces arginine, which is basic and polar, with glutamine, which is neutral and polar, at codon 164 of the AMN protein (p.Arg164Gln). Information on the frequency of this variant in the gnomAD database is not available, as this variant may be reported differently in the database. This variant has not been reported in the literature in individuals affected with AMN-related conditions. Algorithms developed to predict the effect of missense changes on protein structure and function are either unavailable or do not agree on the potential impact of this missense change (SIFT: "Not Available"; PolyPhen-2: "Benign"; Align-GVGD: "Not Available"). In summary, the available evidence is currently insufficient to determine the role of this variant in disease. Therefore, it has been classified as a Variant of Uncertain Significance.

NM_030943.4(AMN):c.491_492delinsAG (p.Arg164Gln)

Gene: AMN (amnion associated transmembrane protein; plus strand). Cytogenetic location: 14q32.32.
Variant type: Indel.
Coding change: c.491_492delinsAG on transcript NM_030943.4 (MANE Select); coding-DNA positions 491 to 492, GC replaced by AG.
Protein change: p.Arg164Gln; replaces arginine 164 with glutamine.
Molecular consequence: missense variant.
Genome position (GRCh38, 1-based): chr14:102,928,953-102,928,954, GC replaced by AG. VCF-style: chr14-102928953-GC-AG. GRCh37 (hg19) VCF-style: chr14-103395290-GC-AG.
Other names: short protein forms R164Q.
Identifiers: ClinVar variation 2194725 (VCV002194725.1), dbSNP rs2542695959, ClinGen allele CA2580088433.